The following is an entry in ClinVar:

NM_001145809.2(MYH14):c.6007del (p.Arg2003fs)

Gene: MYH14 (myosin heavy chain 14; plus strand). Cytogenetic location: 19q13.33.
Variant type: Deletion.
Coding change: c.6007del on transcript NM_001145809.2 (MANE Select); coding-DNA position 6007, one base deleted (C; older notation c.6007delC).
Protein change: p.Arg2003fs; shifts the reading frame from arginine 2003.
Molecular consequence: frameshift variant.
Genome position (GRCh38, 1-based): chr19:50,309,686, C deleted; the last of 2 consecutive C bases (chr19:50,309,685-50,309,686); deleting either gives the same sequence. VCF-style (leftmost placement, unchanged base first): chr19-50309684-TC-T. GRCh37 (hg19) VCF-style: chr19-50812941-TC-T.
Other names: c.5908del, p.Arg1970fs (NM_001077186.2); c.5884del, p.Arg1962fs (NM_024729.4); short protein forms R1970fs, R1962fs, R2003fs.
Identifiers: ClinVar variation 2025760 (VCV002025760.4), dbSNP rs2513782263, ClinGen allele CA2580097729.

ClinVar aggregate classification (germline): Uncertain significance (1 of 4 stars; one submission).

Submission:

Labcorp Genetics (formerly Invitae), Labcorp
Classification: Uncertain significance. Last evaluated: 2023-03-18. Review status: criteria provided, single submitter. Criteria: Invitae Variant Classification Sherloc (09022015). Collection method: clinical testing. Allele origin: germline.
Comment: In summary, the available evidence is currently insufficient to determine the role of this variant in disease. Therefore, it has been classified as a Variant of Uncertain Significance. This sequence change creates a premature translational stop signal (p.Arg1962Aspfs*2) in the MYH14 gene. While this is not anticipated to result in nonsense mediated decay, it is expected to disrupt the last 34 amino acid(s) of the MYH14 protein. This variant is not present in population databases (gnomAD no frequency). This variant has not been reported in the literature in individuals affected with MYH14-related conditions. ClinVar contains an entry for this variant (Variation ID: 2025760). Experimental studies and prediction algorithms are not available or were not evaluated, and the functional significance of this variant is currently unknown.